The following is an entry in ClinVar:

NM_006662.3(SRCAP):c.824C>T (p.Pro275Leu)

Gene: SRCAP (Snf2 related CREBBP activator protein; plus strand). Cytogenetic location: 16p11.2.
Variant type: single nucleotide variant.
Coding change: c.824C>T on transcript NM_006662.3 (MANE Select); coding-DNA position 824, C replaced by T.
Protein change: p.Pro275Leu; replaces proline 275 with leucine.
Molecular consequence: missense variant.
Genome position (GRCh38, 1-based): chr16:30,709,703, C>T. VCF-style: chr16-30709703-C-T. GRCh37 (hg19) VCF-style: chr16-30721024-C-T.
Other names: short protein forms P275L.
Identifiers: ClinVar variation 4999055 (VCV004999055.1).

ClinVar aggregate classification (germline): Uncertain significance (1 of 4 stars; one submission).

Conditions:
SRCAP-related disorder. Also called: SRCAP-related condition.

Submission:

PreventionGenetics, part of Exact Sciences
Classification: Uncertain significance for SRCAP-related condition. Last evaluated: 2026-09-12. Review status: criteria provided, single submitter. Criteria: ACMG Guidelines, 2015. Collection method: clinical testing. Allele origin: germline.
Comment: The SRCAP c.824C>T variant is predicted to result in the amino acid substitution p.Pro275Leu. To our knowledge, this variant has not been reported in the literature or in a large population database (gnomAD), indicating this variant is rare. At this time, the clinical significance of this variant is uncertain due to the absence of conclusive functional and genetic evidence.